The following is an entry in ClinVar:

ClinVar aggregate classification (germline): Uncertain significance (1 of 4 stars; one submission).

Allele frequency attached by ClinVar (database versions not stated): ESP Exome Variant Server 0.00008; gnomAD 0.00011 and 0.00014; TOPMed 0.00011; gnomAD exomes 0.00014 and 0.00015; ExAC 0.00019; 1000 Genomes Project 30x 0.00078; 1000 Genomes Project 0.00080.
gnomAD v4.1: 238 of 1,610,278 alleles (0.015%); highest among the groups gnomAD compares: East Asian, 0.16%; no homozygotes.

Submission:

Labcorp Genetics (formerly Invitae), Labcorp
Classification: Uncertain significance. Last evaluated: 2023-10-09. Review status: criteria provided, single submitter. Criteria: Invitae Variant Classification Sherloc (09022015). Collection method: clinical testing. Allele origin: germline.
Comment: This sequence change replaces proline, which is neutral and non-polar, with leucine, which is neutral and non-polar, at codon 439 of the SLCO2A1 protein (p.Pro439Leu). This variant is present in population databases (rs147644142, gnomAD 0.04%). This variant has not been reported in the literature in individuals affected with SLCO2A1-related conditions. ClinVar contains an entry for this variant (Variation ID: 1517283). Advanced modeling of protein sequence and biophysical properties (such as structural, functional, and spatial information, amino acid conservation, physicochemical variation, residue mobility, and thermodynamic stability) performed at Invitae indicates that this missense variant is not expected to disrupt SLCO2A1 protein function. In summary, the available evidence is currently insufficient to determine the role of this variant in disease. Therefore, it has been classified as a Variant of Uncertain Significance.

NM_005630.3(SLCO2A1):c.1316C>T (p.Pro439Leu)

Genes: SLCO2A1 (solute carrier organic anion transporter family member 2A1; minus strand), LOC123038185 (Sharpr-MPRA regulatory region 14374; plus strand). Cytogenetic location: 3q22.1.
Variant type: single nucleotide variant.
Coding change: c.1316C>T on transcript NM_005630.3 (MANE Select); coding-DNA position 1316, C replaced by T.
Protein change: p.Pro439Leu; replaces proline 439 with leucine.
Molecular consequence: missense variant.
Genome position (GRCh38, 1-based): chr3:133,945,240, G>A on the plus strand (C>T on the coding strand, the complement: SLCO2A1 is on the minus strand). VCF-style: chr3-133945240-G-A. GRCh37 (hg19) VCF-style: chr3-133664084-G-A.
Other names: short protein forms P439L.
Identifiers: ClinVar variation 1517283 (VCV001517283.4), dbSNP rs147644142, ClinGen allele CA2626502.